The following is an entry in ClinVar:

ClinVar aggregate classification (germline): Uncertain significance. Review status: criteria provided, multiple submitters, no conflicts (2 of 4 stars). 2 submissions from 2 submitters: Uncertain significance (2). Last evaluated 2024-11-20.

Conditions:
Inborn genetic diseases. Identifiers: MedGen C0950123, MeSH D030342.
DPAGT1-congenital disorder of glycosylation. Also called: CONGENITAL DISORDER OF GLYCOSYLATION, TYPE Ij; DPAGT1-CDG; CDG Ij. Identifiers: Orphanet 86309, MedGen C2931004, MONDO:0011964, OMIM 608093.
Congenital myasthenic syndrome 13 (CMS13). Also called: Myasthenic syndrome, congenital, with tubular aggregates 2; Myasthenic syndrome, congenital, 13, with tubular aggregates. Identifiers: Orphanet 353327, Orphanet 590, MedGen C3553645, MONDO:0013883, OMIM 614750.

Allele frequency attached by ClinVar (database versions not stated): gnomAD exomes below 0.00001.
gnomAD v4.1: 1 of 1,614,194 alleles (0.000062%); highest among the groups gnomAD compares: Non-Finnish European, 0.000085%; no homozygotes.

Submissions (2):

Ambry Genetics
Classification: Uncertain significance for Inborn genetic diseases. Last evaluated: 2024-11-20. Review status: criteria provided, single submitter. Criteria: Ambry Variant Classification Scheme 2023. Collection method: clinical testing. Allele origin: germline.

Labcorp Genetics (formerly Invitae), Labcorp
Classification: Uncertain significance for Congenital myasthenic syndrome 13; DPAGT1-congenital disorder of glycosylation. Last evaluated: 2022-02-24. Review status: criteria provided, single submitter. Criteria: Invitae Variant Classification Sherloc (09022015). Collection method: clinical testing. Allele origin: germline.
Comment: This sequence change replaces leucine, which is neutral and non-polar, with phenylalanine, which is neutral and non-polar, at codon 287 of the DPAGT1 protein (p.Leu287Phe). This variant is not present in population databases (gnomAD no frequency). This variant has not been reported in the literature in individuals affected with DPAGT1-related conditions. ClinVar contains an entry for this variant (Variation ID: 855421). Algorithms developed to predict the effect of missense changes on protein structure and function are either unavailable or do not agree on the potential impact of this missense change (SIFT: "Deleterious"; PolyPhen-2: "Possibly Damaging"; Align-GVGD: "Class C0"). In summary, the available evidence is currently insufficient to determine the role of this variant in disease. Therefore, it has been classified as a Variant of Uncertain Significance.

NM_001382.4(DPAGT1):c.859C>T (p.Leu287Phe)

Gene: DPAGT1 (dolichyl-phosphate N-acetylglucosaminephosphotransferase 1; minus strand). Cytogenetic location: 11q23.3.
Variant type: single nucleotide variant.
Coding change: c.859C>T on transcript NM_001382.4 (MANE Select); coding-DNA position 859, C replaced by T.
Protein change: p.Leu287Phe; replaces leucine 287 with phenylalanine.
Molecular consequence: missense variant.
Genome position (GRCh38, 1-based): chr11:119,097,913, G>A on the plus strand (C>T on the coding strand, the complement: DPAGT1 is on the minus strand). VCF-style: chr11-119097913-G-A. GRCh37 (hg19) VCF-style: chr11-118968623-G-A.
Other names: short protein forms L287F.
Identifiers: ClinVar variation 855421 (VCV000855421.10), dbSNP rs1946426502, ClinGen allele CA382910375.